The following is an entry in ClinVar:

NM_017534.6(MYH2):c.1528G>C (p.Glu510Gln)

Genes: MYH2 (myosin heavy chain 2; minus strand), MYHAS (myosin heavy chain gene cluster antisense RNA; plus strand). Cytogenetic location: 17p13.1.
Variant type: single nucleotide variant.
Coding change: c.1528G>C on transcript NM_017534.6 (MANE Select); coding-DNA position 1528, G replaced by C.
Protein change: p.Glu510Gln; replaces glutamic acid 510 with glutamine.
Molecular consequence: missense variant.
Genome position (GRCh38, 1-based): chr17:10,537,724, C>G on the plus strand (G>C on the coding strand, the complement: MYH2 is on the minus strand). VCF-style: chr17-10537724-C-G. GRCh37 (hg19) VCF-style: chr17-10441041-C-G.
Other names: c.1528G>C, p.Glu510Gln (NM_001100112.2); short protein forms E510Q.
Identifiers: ClinVar variation 842931 (VCV000842931.7), dbSNP rs772963819, ClinGen allele CA398157383.
Genomic context (GRCh38, chr17:10,537,724, plus strand): 5'-CCTTCTCGATGAGCTCGATGCAGGCAGCCAGGTCCATCCCGAAGTCGATGAACGTCCACT[C>G]GATGCCTTCCTTCTTGTACTCCTCCTGCTCCAGCACGAACATGTGGTGGTTGAAAAACTG-3'
Protein context (NP_060004.3, residues 500-520): EQEEYKKEGI[Glu510Gln]WTFIDFGMDL

ClinVar aggregate classification (germline): Uncertain significance (1 of 4 stars; one submission).

Conditions:
Myopathy, proximal, and ophthalmoplegia (CMYO6). Also called: INCLUSION BODY MYOPATHY 3, AUTOSOMAL DOMINANT; MYOPATHY WITH CONGENITAL JOINT CONTRACTURES, OPHTHALMOPLEGIA, AND RIMMED VACUOLES; CONGENITAL MYOPATHY 6 WITH OPHTHALMOPLEGIA. Identifiers: Orphanet 363677, Orphanet 79091, MedGen C1854106, MONDO:0011577, OMIM 605637.

Submission:

Labcorp Genetics (formerly Invitae), Labcorp
Classification: Uncertain significance for Myopathy, proximal, and ophthalmoplegia. Last evaluated: 2022-02-03. Review status: criteria provided, single submitter. Criteria: Invitae Variant Classification Sherloc (09022015). Collection method: clinical testing. Allele origin: germline.
Comment: This variant has not been reported in the literature in individuals affected with MYH2-related conditions. This variant is not present in population databases (gnomAD no frequency). This sequence change replaces glutamic acid, which is acidic and polar, with glutamine, which is neutral and polar, at codon 510 of the MYH2 protein (p.Glu510Gln). ClinVar contains an entry for this variant (Variation ID: 842931). In summary, the available evidence is currently insufficient to determine the role of this variant in disease. Therefore, it has been classified as a Variant of Uncertain Significance. Algorithms developed to predict the effect of missense changes on protein structure and function are either unavailable or do not agree on the potential impact of this missense change (SIFT: "Deleterious"; PolyPhen-2: "Benign"; Align-GVGD: "Class C0").